The following is an entry in ClinVar:

ClinVar aggregate classification (germline): Uncertain significance (1 of 4 stars; one submission).

Conditions:
Bartter disease type 1. Also called: HYPOKALEMIC ALKALOSIS WITH HYPERCALCIURIA 1, ANTENATAL; Bartter syndrome, type 1, antenatal; Bartter Syndrome type 1; HYPERPROSTAGLANDIN E SYNDROME 1. Identifiers: Orphanet 112, Orphanet 620217, MedGen C1866495, MONDO:0100344, OMIM 601678, MONDO:0011127.

Allele frequency attached by ClinVar (database versions not stated): gnomAD exomes below 0.00001; TOPMed below 0.00001.

Submission:

Centre for Mendelian Genomics, University Medical Centre Ljubljana
Classification: Uncertain significance for Bartter disease type 1. Last evaluated: 2018-10-12. Review status: criteria provided, single submitter. Criteria: ACMG Guidelines, 2015. Collection method: clinical testing. Allele origin: unknown. Affected: yes.
Comment: This variant was classified as: Uncertain significance. The available evidence on this variant's pathogenicity is insufficient or conflicting. The following ACMG criteria were applied in classifying this variant: PM2,PP3.

NM_000338.3(SLC12A1):c.1468T>G (p.Ser490Ala)

Gene: SLC12A1 (solute carrier family 12 member 1; plus strand). Cytogenetic location: 15q21.1.
Variant type: single nucleotide variant.
Coding change: c.1468T>G on transcript NM_000338.3 (MANE Select); coding-DNA position 1468, T replaced by G.
Protein change: p.Ser490Ala; replaces serine 490 with alanine.
Molecular consequence: missense variant.
Genome position (GRCh38, 1-based): chr15:48,246,924, T>G. VCF-style: chr15-48246924-T-G. GRCh37 (hg19) VCF-style: chr15-48539121-T-G.
Other names: c.1468T>G, p.Ser490Ala (NM_001184832.2); short protein forms S490A.
Identifiers: ClinVar variation 930884 (VCV000930884.3), dbSNP rs2041588755, ClinGen allele CA392311708.